The following is an entry in ClinVar:

ClinVar aggregate classification (germline): Uncertain significance. Review status: criteria provided, multiple submitters, no conflicts (2 of 4 stars). 2 submissions from 2 submitters: Uncertain significance (2). Last evaluated 2025-12-31.

Conditions:
Inborn genetic diseases. Identifiers: MedGen C0950123, MeSH D030342.
TJP2-related disorder. Also called: TJP2-related condition.

Submissions (2):

PreventionGenetics, part of Exact Sciences
Classification: Uncertain significance for TJP2-related condition. Last evaluated: 2025-12-31. Review status: criteria provided, single submitter. Criteria: ACMG Guidelines, 2015. Collection method: clinical testing. Allele origin: germline.
Comment: The TJP2 c.1433G>T variant is predicted to result in the amino acid substitution p.Arg478Ile. To our knowledge, this variant has not been reported in the literature or in a large population database (gnomAD), indicating this variant is rare. At this time, the clinical significance of this variant is uncertain due to the absence of conclusive functional and genetic evidence.

Ambry Genetics
Classification: Uncertain significance for Inborn genetic diseases. Last evaluated: 2024-12-13. Review status: criteria provided, single submitter. Criteria: Ambry Variant Classification Scheme 2023. Collection method: clinical testing. Allele origin: germline.

NM_004817.4(TJP2):c.1433G>T (p.Arg478Ile)

Gene: TJP2 (tight junction protein 2; plus strand). Cytogenetic location: 9q21.11.
Variant type: single nucleotide variant.
Coding change: c.1433G>T on transcript NM_004817.4 (MANE Select); coding-DNA position 1433, G replaced by T.
Protein change: p.Arg478Ile; replaces arginine 478 with isoleucine.
Molecular consequence: missense variant.
Genome position (GRCh38, 1-based): chr9:69,228,094, G>T. VCF-style: chr9-69228094-G-T. GRCh37 (hg19) VCF-style: chr9-71843010-G-T.
Other names: c.1364G>T, p.Arg455Ile (NM_001170414.2, NM_001369871.1); c.1445G>T, p.Arg482Ile (NM_001170415.1, NM_001369874.1, NM_001369875.1); c.1526G>T, p.Arg509Ile (NM_001170416.2); c.1358G>T, p.Arg453Ile (NM_001369870.1); c.1433G>T, p.Arg478Ile (NM_001369872.1, NM_001369873.1, NM_201629.3); short protein forms R453I, R509I, R455I, R478I, R482I.
Identifiers: ClinVar variation 3807127 (VCV003807127.2).
Genomic context (GRCh38, chr9:69,228,094, plus strand): 5'-CCTTTAAGTCCACAGGGGATATTGCAGGCACAGTTGTCCCAGAGACCAACAAGGAACCCA[G>T]ATACCAAGAGGACCCCCCAGGTGAGCCATTAAGACCACTCAGTTTCAACAGTTGTGTTCA-3'
Protein context (NP_004808.2, residues 468-488): TVVPETNKEP[Arg478Ile]YQEDPPAPQP